The following is an entry in ClinVar:

NM_007078.3(LDB3):c.494G>A (p.Arg165Gln)

Gene: LDB3 (LIM domain binding 3; plus strand). Cytogenetic location: 10q23.2.
Variant type: single nucleotide variant.
Coding change: c.494G>A on transcript NM_007078.3 (MANE Select); coding-DNA position 494, G replaced by A.
Protein change: p.Arg165Gln; replaces arginine 165 with glutamine.
Molecular consequence: missense variant. On other transcripts: intron variant (5).
Genome position (GRCh38, 1-based): chr10:86,681,608, G>A. VCF-style: chr10-86681608-G-A. GRCh37 (hg19) VCF-style: chr10-88441365-G-A.
Other names: c.494G>A, p.Arg165Gln (NM_001080115.2, NM_001171610.2, NM_001171611.2 and 3 more transcripts); c.321+1451G>A (NM_001368068.1, NM_001368066.1, NM_001080114.2 and 2 more transcripts); short protein forms R165Q.
Identifiers: ClinVar variation 222686 (VCV000222686.18), dbSNP rs61857115, ClinGen allele CA080095.
Genomic context (GRCh38, chr10:86,681,608, plus strand): 5'-CCTTCTCCCGGCCCTCCGCCTTCTCCTCACTCGCCGAGGCCTCTGACCCTGGCCCTCCGC[G>A]GGCCAGCCTGAGGGCCAAGACCAGCCCAGAGGGGGCCCGGGACCTACTCGGCCCAAAAGC-3'
Protein context (NP_009009.1, residues 155-175): LAEASDPGPP[Arg165Gln]ASLRAKTSPE

ClinVar aggregate classification (germline): Uncertain significance. Review status: criteria provided, multiple submitters, no conflicts (2 of 4 stars). 4 submissions from 4 submitters: Uncertain significance (4). Last evaluated 2025-08-28.

Conditions:
Dilated cardiomyopathy 1C (CMD1C). Also called: CARDIOMYOPATHY, DILATED, 1C, WITH OR WITHOUT LEFT VENTRICULAR NONCOMPACTION; Cardiomyopathy, dilated, 1C, with or without LVNC. Identifiers: Orphanet 154, Orphanet 54260, MedGen C1832244, MONDO:0011094, OMIM 601493.
Myofibrillar myopathy 4. Also called: Zaspopathy (type). Identifiers: Orphanet 98912, MedGen C4721886, MONDO:0012277, OMIM 609452.
Cardiovascular phenotype. Identifiers: MedGen CN230736.

Allele frequency attached by ClinVar (database versions not stated): gnomAD 0.00001 and 0.00002; gnomAD exomes 0.00002; ExAC 0.00003; TOPMed 0.00003.
gnomAD v4.1: 38 of 1,612,898 alleles (0.0024%); highest among the groups gnomAD compares: African/African-American, 0.0067%; no homozygotes.

Submissions (4):

Ambry Genetics
Classification: Uncertain significance for Cardiovascular phenotype. Last evaluated: 2025-08-28. Review status: criteria provided, single submitter. Criteria: Ambry Variant Classification Scheme 2023. Collection method: clinical testing. Allele origin: germline.
Comment: The p.R165Q variant (also known as c.494G>A), located in coding exon 4 of the LDB3 gene, results from a G to A substitution at nucleotide position 494. The arginine at codon 165 is replaced by glutamine, an amino acid with highly similar properties. This amino acid position is not well conserved in available vertebrate species, and glutamine is the reference amino acid in other vertebrate species. In addition, this alteration is predicted to be tolerated by in silico analysis. Since supporting evidence is limited at this time, the clinical significance of this alteration remains unclear.

Labcorp Genetics (formerly Invitae), Labcorp
Classification: Uncertain significance for Myofibrillar myopathy 4. Last evaluated: 2024-12-13. Review status: criteria provided, single submitter. Criteria: Invitae Variant Classification Sherloc (09022015). Collection method: clinical testing. Allele origin: germline.
Comment: The LDB3 gene has multiple clinically relevant transcripts. This variant occurs in alternate transcript NM_007078.3, and corresponds to NM_001080116.1:c.321+1451G>A in the primary transcript. This sequence change replaces arginine, which is basic and polar, with glutamine, which is neutral and polar, at codon 165 of the LDB3 protein (p.Arg165Gln). This variant is present in population databases (rs61857115, gnomAD 0.009%). This variant has not been reported in the literature in individuals affected with LDB3-related conditions. ClinVar contains an entry for this variant (Variation ID: 222686). An algorithm developed to predict the effect of missense changes on protein structure and function outputs the following: PolyPhen-2: "Not Available". The glutamine amino acid residue is found in multiple mammalian species, which suggests that this missense change does not adversely affect protein function. Algorithms developed to predict the effect of sequence changes on RNA splicing suggest that this variant is not likely to affect RNA splicing. In summary, the available evidence is currently insufficient to determine the role of this variant in disease. Therefore, it has been classified as a Variant of Uncertain Significance.

Women's Health and Genetics/Laboratory Corporation of America, LabCorp
Classification: Uncertain significance. Last evaluated: 2024-06-20. Review status: criteria provided, single submitter. Criteria: LabCorp Variant Classification Summary - May 2015. Collection method: clinical testing. Allele origin: germline.
Comment: Variant summary: LDB3 c.494G>A (p.Arg165Gln) results in a conservative amino acid change in the encoded protein sequence. Five of five in-silico tools predict a benign effect of the variant on protein function. The variant allele was found at a frequency of 1.6e-05 in 247054 control chromosomes. The available data on variant occurrences in the general population are insufficient to allow any conclusion about variant significance. To our knowledge, no occurrence of c.494G>A in individuals affected with Cardiomyopathy and no experimental evidence demonstrating its impact on protein function have been reported. ClinVar contains an entry for this variant (Variation ID: 222686). Based on the evidence outlined above, the variant was classified as uncertain significance.

Centre for Mendelian Genomics, University Medical Centre Ljubljana
Classification: Uncertain significance for Dilated cardiomyopathy 1C. Last evaluated: 2018-12-04. Review status: criteria provided, single submitter. Criteria: ACMG Guidelines, 2015. Collection method: clinical testing. Allele origin: unknown. Affected: yes.
Comment: This variant was classified as: Uncertain significance. The available evidence on this variant's pathogenicity is insufficient or conflicting. The following ACMG criteria were applied in classifying this variant: BP4.